The following is an entry in ClinVar:

NM_004360.5(CDH1):c.1996A>C (p.Asn666His)

Gene: CDH1 (cadherin 1; plus strand). Cytogenetic location: 16q22.1.
Variant type: single nucleotide variant.
Coding change: c.1996A>C on transcript NM_004360.5 (MANE Select); coding-DNA position 1996, A replaced by C.
Protein change: p.Asn666His; replaces asparagine 666 with histidine.
Molecular consequence: missense variant.
Genome position (GRCh38, 1-based): chr16:68,823,458, A>C. VCF-style: chr16-68823458-A-C. GRCh37 (hg19) VCF-style: chr16-68857361-A-C.
Other names: c.1813A>C, p.Asn605His (NM_001317184.2); c.448A>C, p.Asn150His (NM_001317185.2); c.31A>C, p.Asn11His (NM_001317186.2); short protein forms N666H, N11H, N150H, N605H.
Identifiers: ClinVar variation 185638 (VCV000185638.37), dbSNP rs150427791, ClinGen allele CA192499.
Genomic context (GRCh38, chr16:68,823,458, plus strand): 5'-GCCCAAGAATCTATCATTTTGAAGCCAAAGATGGCCTTAGAGGTGGGTGACTACAAAATC[A>C]ATCTCAAGCTCATGGATAACCAGAATAAAGACCAAGTGACCACCTTAGAGGTCAGCGTGT-3'
Protein context (NP_004351.1, residues 656-676): MALEVGDYKI[Asn666His]LKLMDNQNKD

ClinVar aggregate classification (germline): Conflicting classifications of pathogenicity. Review status: criteria provided, conflicting classifications (1 of 4 stars). 11 submissions from 11 submitters: Uncertain significance (7); Likely benign (3). 1 of the submissions does not count toward it. Last evaluated 2026-01-24.

Conditions:
Familial cancer of breast. Also called: BREAST CANCER, FAMILIAL; Hereditary breast cancer; hereditary breast carcinoma. Identifiers: Orphanet 227535, MedGen C0346153, MONDO:0016419, OMIM 114480. Disease mechanism: loss of function.
Ovarian cancer. Also called: OVARIAN CANCER, SOMATIC. Identifiers: Orphanet 213500, MedGen C1140680, MONDO:0008170, OMIM 167000.
Hereditary cancer-predisposing syndrome. Also called: Hereditary Cancer Syndrome; Neoplastic Syndromes, Hereditary; Tumor predisposition; Hereditary neoplastic syndrome. Identifiers: Orphanet 140162, MedGen C0027672, MeSH D009386, MONDO:0015356.
Hereditary diffuse gastric adenocarcinoma (HDGC). Also called: DIFFUSE GASTRIC AND LOBULAR BREAST CANCER SYNDROME. Identifiers: Orphanet 26106, MedGen C1708349, MONDO:0007648, OMIM 137215.

Allele frequency attached by ClinVar (database versions not stated): gnomAD exomes 0.00001 and 0.00002; ExAC 0.00003; gnomAD 0.00009; ESP Exome Variant Server 0.00015; TOPMed 0.00017.
gnomAD v4.1: 27 of 1,613,988 alleles (0.0017%); highest among the groups gnomAD compares: African/African-American, 0.035%; no homozygotes.

Submissions (11):

Labcorp Genetics (formerly Invitae), Labcorp
Classification: Likely benign for Hereditary diffuse gastric adenocarcinoma. Last evaluated: 2026-01-24. Review status: criteria provided, single submitter. Criteria: Invitae Variant Classification Sherloc (09022015). Collection method: clinical testing. Allele origin: germline.

GeneDx
Classification: Uncertain significance. Last evaluated: 2024-11-15. Review status: criteria provided, single submitter. Criteria: GeneDx Variant Classification Process June 2021. Collection method: clinical testing. Allele origin: germline. Affected: yes.
Comment: In silico analysis indicates that this missense variant does not alter protein structure/function; Observed in individuals with breast cancer (PMID: 31871109); This variant is associated with the following publications: (PMID: 25186627, 15235021, 22850631, 31871109)

Color Diagnostics, LLC DBA Color Health
Classification: Uncertain significance for Hereditary cancer-predisposing syndrome. Last evaluated: 2024-10-29. Review status: criteria provided, single submitter. Criteria: ACMG Guidelines, 2015. Collection method: clinical testing. Allele origin: germline.
Comment: This missense variant replaces asparagine with histidine at codon 666 of the CDH1 protein. To our knowledge, functional studies have not been reported for this variant. This variant has been reported in an individual affected with breast cancer (PMID: 25186627). This variant has been identified in 7/282864 chromosomes in the general population by the Genome Aggregation Database (gnomAD). The available evidence is insufficient to determine the role of this variant in disease conclusively. Therefore, this variant is classified as a Variant of Uncertain Significance.

Myriad Genetics, Inc.
Classification: Uncertain significance for Hereditary diffuse gastric adenocarcinoma. Last evaluated: 2023-03-03. Review status: criteria provided, single submitter. Criteria: Myriad Autosomal Dominant, Autosomal Recessive and X-Linked Classification Criteria (2023). Collection method: clinical testing. Allele origin: unknown.
Comment: This variant is classified as a variant of uncertain significance as there is insufficient evidence to determine its impact on protein function and/or cancer risk.

Quest Diagnostics Nichols Institute San Juan Capistrano
Classification: Likely benign. Last evaluated: 2022-10-05. Review status: criteria provided, single submitter. Criteria: Quest Diagnostics criteria. Collection method: clinical testing. Allele origin: unknown.

Ambry Genetics
Classification: Likely benign for Hereditary cancer-predisposing syndrome. Last evaluated: 2021-11-15. Review status: criteria provided, single submitter. Criteria: Ambry Variant Classification Scheme 2023. Collection method: clinical testing. Allele origin: germline.

Department of Pathology and Laboratory Medicine, Sinai Health System
Classification: Uncertain significance for Familial cancer of breast; Ovarian cancer. Last evaluated: 2020-01-03. Review status: criteria provided, single submitter. Criteria: ACMG Guidelines, 2015. Collection method: clinical testing. Allele origin: germline. Affected: yes.

ARUP Laboratories, Molecular Genetics and Genomics, ARUP Laboratories
Classification: Uncertain significance. Last evaluated: 2018-07-05. Review status: criteria provided, single submitter. Criteria: ARUP Molecular Germline Variant Investigation Process. Collection method: clinical testing. Allele origin: germline.
Comment: The CDH1 c.1996A>C; p.Asn666His variant (rs150427791), to our knowledge, is not reported in the medical literature but is reported as a variant of uncertain significance in ClinVar (Variation ID: 185638). This variant is found in the African population with an overall allele frequency of 0.029% (7/24028 alleles) in the Genome Aggregation Database. The asparagine at codon 666 is weakly conserved and computational analyses (SIFT, PolyPhen-2) predict that this variant is tolerated. However, due to limited information regarding this variant, its clinical significance is uncertain at this time.

Mendelics
Classification: Uncertain significance for Hereditary diffuse gastric cancer. Last evaluated: 2018-07-02. Review status: criteria provided, single submitter. Criteria: Mendelics Assertion Criteria 2017. Collection method: clinical testing. Allele origin: unknown.

PreventionGenetics, part of Exact Sciences
Classification: Uncertain significance. Last evaluated: 2017-09-29. Review status: criteria provided, single submitter. Criteria: ACMG Guidelines, 2015. Collection method: clinical testing. Allele origin: germline.

Counsyl
Classification: Uncertain significance for Hereditary diffuse gastric adenocarcinoma. Last evaluated: 2017-03-22. Review status: no assertion criteria provided. Collection method: clinical testing. Allele origin: unknown. Not counted in ClinVar's aggregate classification.

Literature cited by the submitters: PubMed 25186627 (cited by 5 submitters); PubMed 31871109 (cited by Quest Diagnostics Nichols Institute San Juan Capistrano and Ambry Genetics).